The following is an entry in ClinVar:

ClinVar aggregate classification (germline): Benign. Review status: criteria provided, multiple submitters, no conflicts (2 of 4 stars). 2 submissions from 2 submitters: Benign (2). Last evaluated 2018-01-12.

Conditions:
Landau-Kleffner syndrome (FESD). Also called: EPILEPSY, FOCAL, WITH SPEECH DISORDER AND WITH OR WITHOUT MENTAL RETARDATION; APHASIA, ACQUIRED, WITH EPILEPSY. Identifiers: Orphanet 1945, Orphanet 725, Orphanet 98818, MedGen C0282512, MONDO:0009509, OMIM 245570.

Allele frequency attached by ClinVar (database versions not stated): gnomAD 0.00037 and 0.00040; TOPMed 0.00042; 1000 Genomes Project 30x 0.00062; 1000 Genomes Project 0.00080; gnomAD exomes 0.00143.
gnomAD v4.1: 63 of 153,090 alleles (0.041%); highest among the groups gnomAD compares: South Asian, 0.083%; no homozygotes.

Submissions (2):

Illumina Laboratory Services, Illumina
Classification: Benign for Landau-Kleffner syndrome. Last evaluated: 2018-01-12. Review status: criteria provided, single submitter. Criteria: ICSL Variant Classification Criteria 13 December 2019. Collection method: clinical testing. Allele origin: germline.
Comment: This variant was observed in the ICSL laboratory as part of a predisposition screen in an ostensibly healthy population. It had not been previously curated by ICSL or reported in the Human Gene Mutation Database (HGMD: prior to June 1st, 2018), and was therefore a candidate for classification through an automated scoring system. Utilizing variant allele frequency, disease prevalence and penetrance estimates, and inheritance mode, an automated score was calculated to assess if this variant is too frequent to cause the disease. Based on the score and internal cut-off values, a variant classified as benign is not then subjected to further curation. The score for this variant resulted in a classification of benign for this disease.

GeneDx
Classification: Benign. Last evaluated: 2014-12-15. Review status: criteria provided, single submitter. Criteria: GeneDx Variant Classification (06012015). Collection method: clinical testing. Allele origin: germline. Affected: yes.
Comment: This variant is considered likely benign or benign based on one or more of the following criteria: it is a conservative change, it occurs at a poorly conserved position in the protein, it is predicted to be benign by multiple in silico algorithms, and/or has population frequency not consistent with disease.

NM_001134407.3(GRIN2A):c.-220C>T

Gene: GRIN2A (glutamate ionotropic receptor NMDA type subunit 2A; minus strand). Cytogenetic location: 16p13.2.
Variant type: single nucleotide variant.
Coding change: c.-220C>T on transcript NM_001134407.3 (MANE Select); 220 bases upstream of the start codon, C replaced by T.
Molecular consequence: 5 prime UTR variant. On other transcripts: intron variant (1).
Genome position (GRCh38, 1-based): chr16:10,182,078, G>A on the plus strand (C>T on the coding strand, the complement: GRIN2A is on the minus strand). VCF-style: chr16-10182078-G-A. GRCh37 (hg19) VCF-style: chr16-10275935-G-A.
Other names: c.-209-11C>T (NM_000833.5).
Identifiers: ClinVar variation 205637 (VCV000205637.5), dbSNP rs139646156, ClinGen allele CA314913.